The following is an entry in ClinVar:

ClinVar aggregate classification (germline): Likely benign (1 of 4 stars; one submission).

Allele frequency attached by ClinVar (database versions not stated): 1000 Genomes Project 30x 0.00187; gnomAD 0.00497.

Submission:

CeGaT Center for Human Genetics Tuebingen
Classification: Likely benign. Last evaluated: 2023-01-01. Review status: criteria provided, single submitter. Criteria: CeGaT Center For Human Genetics Tuebingen Variant Classification Criteria Version 2. Collection method: clinical testing. Allele origin: germline. Affected: yes. Observed: 1 variant allele.
Comment: POM121: BP4, BP7

NM_001387691.1(POM121):c.2598G>A (p.Ala866=)

Gene: POM121 (POM121 transmembrane nucleoporin; plus strand). Cytogenetic location: 7q11.23.
Variant type: single nucleotide variant.
Coding change: c.2598G>A on transcript NM_001387691.1 (MANE Select); coding-DNA position 2598, G replaced by A.
Protein change: p.Ala866=; no amino-acid change (alanine 866 retained).
Molecular consequence: synonymous variant.
Genome position (GRCh38, 1-based): chr7:72,942,591, G>A. VCF-style: chr7-72942591-G-A. GRCh37 (hg19) VCF-style: chr7-72413130-G-A.
Other names: c.1803G>A, p.Ala601= (NM_001257190.3, NM_001387685.1, NM_001387686.1 and 10 more transcripts); c.1626G>A, p.Ala542= (NM_001367610.1, NM_001387701.1, NM_001387702.1 and 2 more transcripts); c.2421G>A, p.Ala807= (NM_001387692.1); c.2310G>A, p.Ala770= (NM_001387693.1); c.1821G>A, p.Ala607= (NM_001387694.1); c.1515G>A, p.Ala505= (NM_001387705.1).
Identifiers: ClinVar variation 2657546 (VCV002657546.24), dbSNP rs200636469, ClinGen allele CA4283585.